The following is an entry in ClinVar:

NM_000466.3(PEX1):c.1360-7C>T

Gene: PEX1 (peroxisomal biogenesis factor 1; minus strand). Cytogenetic location: 7q21.2.
Variant type: single nucleotide variant.
Coding change: c.1360-7C>T on transcript NM_000466.3 (MANE Select); 7 bases into the intron before coding-DNA position 1360, C replaced by T.
Molecular consequence: intron variant.
Genome position (GRCh38, 1-based): chr7:92,511,710, G>A on the plus strand (C>T on the coding strand, the complement: PEX1 is on the minus strand). VCF-style: chr7-92511710-G-A. GRCh37 (hg19) VCF-style: chr7-92141024-G-A.
Other names: p.?; c.1360-7C>T (NM_001282677.2); c.736-7C>T (NM_001282678.2).
Identifiers: ClinVar variation 286647 (VCV000286647.24), dbSNP rs371890000, ClinGen allele CA4341414.
Genomic context (GRCh38, chr7:92,511,710, plus strand): 5'-CTGTAGCCATGAATAAAATACAGTTTTTATGTCTTCTTCACTTATGTCTTTAGGCTGCCA[G>A]AAAAAGGAATAGTAATGAATTATCCTCATATCTGAACTTAACTTTAACACCCTTATTTTA-3'

ClinVar aggregate classification (germline): Conflicting classifications of pathogenicity. Review status: criteria provided, conflicting classifications (1 of 4 stars). 9 submissions from 9 submitters: Uncertain significance (4); Likely benign (3). 2 of the submissions do not count toward it. Last evaluated 2026-04-23.

Conditions:
Retinal dystrophy. Also called: Inherited retinal dystrophy. Identifiers: Orphanet 71862, MedGen C0854723, MeSH D058499, MONDO:0019118, HP:0000556.
Zellweger spectrum disorders (ZS). Also called: Zellweger Spectrum Disorder; Zellweger Spectrum; Zellweger syndrome; Zellweger Spectrum Disorder (ZSD). Identifiers: Orphanet 912, MedGen C0043459, MONDO:0019609.
Heimler syndrome 1 (HMLR1). Also called: PEROXISOME BIOGENESIS DISORDER 1C. Identifiers: Orphanet 3220, MedGen C4551980, OMIM 234580, MONDO:0024544.
Peroxisome biogenesis disorder 1A (Zellweger) (PBD1A). Also called: Zellweger leukodystrophy; Peroxisome biogenesis disorder 1a. Identifiers: MedGen C4721541, MONDO:0008953, OMIM 214100.

Allele frequency attached by ClinVar (database versions not stated): gnomAD 0.00027 and 0.00029; ExAC 0.00028; gnomAD exomes 0.00033 and 0.00040; TOPMed 0.00037; ESP Exome Variant Server 0.00046.

Submissions (9):

Greenwood Genetic Center Diagnostic Laboratories, Greenwood Genetic Center
Classification: Uncertain significance. Last evaluated: 2026-04-23. Review status: criteria provided, single submitter. Criteria: ACMG Guidelines, 2015. Collection method: clinical testing. Allele origin: germline.
Comment: BP4

Labcorp Genetics (formerly Invitae), Labcorp
Classification: Likely benign for Zellweger spectrum disorders. Last evaluated: 2026-01-24. Review status: criteria provided, single submitter. Criteria: Invitae Variant Classification Sherloc (09022015). Collection method: clinical testing. Allele origin: germline.

Mayo Clinic Laboratories, Mayo Clinic
Classification: Likely benign. Last evaluated: 2025-09-09. Review status: criteria provided, single submitter. Criteria: ACMG Guidelines, 2015. Collection method: clinical testing. Allele origin: germline. Observed: 2 variant alleles.
Comment: BP4, BP7

Blueprint Genetics
Classification: Likely benign. Last evaluated: 2024-10-29. Review status: criteria provided, single submitter. Criteria: ACMG Guidelines, 2015. Collection method: clinical testing. Allele origin: germline.

Eurofins Ntd Llc (ga)
Classification: Uncertain significance. Last evaluated: 2018-05-29. Review status: criteria provided, single submitter. Criteria: EGL ClinVar v180209 classification definitions. Collection method: clinical testing. Allele origin: germline. Observed: 3 variant alleles, 3 heterozygotes.

Baylor Genetics
Classification: Uncertain significance for Heimler syndrome 1. Last evaluated: 2018-05-04. Review status: criteria provided, single submitter. Criteria: ACMG Guidelines, 2015. Collection method: clinical testing. Allele origin: paternal. Affected: yes.
Comment: This variant was determined to be of uncertain significance according to ACMG Guidelines, 2015 [PMID:25741868].

Illumina Laboratory Services, Illumina
Classification: Uncertain significance for Peroxisome biogenesis disorder 1A (Zellweger). Last evaluated: 2018-01-13. Review status: criteria provided, single submitter. Criteria: ICSL Variant Classification Criteria 13 December 2019. Collection method: clinical testing. Allele origin: germline.

Institute of Human Genetics, Univ. Regensburg, Univ. Regensburg
Classification: Uncertain significance for Retinal dystrophy. Last evaluated: 2023-01-01. Review status: no assertion criteria provided. Criteria: ACMG Guidelines, 2015. Collection method: clinical testing. Allele origin: germline. Affected: yes. Not counted in ClinVar's aggregate classification.

Natera, Inc.
Classification: Uncertain significance for Zellweger syndrome. Last evaluated: 2017-11-13. Review status: no assertion criteria provided. Collection method: clinical testing. Allele origin: germline. Not counted in ClinVar's aggregate classification.